The following is an entry in ClinVar:

NM_001270974.2(HYDIN):c.8791C>T (p.Arg2931Cys)

Gene: HYDIN (HYDIN axonemal central pair apparatus protein; minus strand). Cytogenetic location: 16q22.2.
Variant type: single nucleotide variant.
Coding change: c.8791C>T on transcript NM_001270974.2 (MANE Select); coding-DNA position 8791, C replaced by T.
Protein change: p.Arg2931Cys; replaces arginine 2931 with cysteine.
Molecular consequence: missense variant.
Genome position (GRCh38, 1-based): chr16:70,903,683, G>A on the plus strand (C>T on the coding strand, the complement: HYDIN is on the minus strand). VCF-style: chr16-70903683-G-A. GRCh37 (hg19) VCF-style: chr16-70937586-G-A.
Other names: short protein forms R2931C.
Identifiers: ClinVar variation 2646732 (VCV002646732.24), dbSNP rs878880422, ClinGen allele CA283508599.

ClinVar aggregate classification (germline): Uncertain significance. Review status: criteria provided, multiple submitters, no conflicts (2 of 4 stars). 2 submissions from 2 submitters: Uncertain significance (2). Last evaluated 2023-09-01.

Conditions:
Primary ciliary dyskinesia 5. Also called: CILIARY DYSKINESIA, PRIMARY, 5, WITHOUT SITUS INVERSUS. Identifiers: Orphanet 244, MedGen C1837615, MONDO:0012088, OMIM 608647.

Allele frequency attached by ClinVar (database versions not stated): 1000 Genomes Project 30x 0.00047.

Submissions (2):

CeGaT Center for Human Genetics Tuebingen
Classification: Uncertain significance. Last evaluated: 2023-09-01. Review status: criteria provided, single submitter. Criteria: CeGaT Center For Human Genetics Tuebingen Variant Classification Criteria Version 2. Collection method: clinical testing. Allele origin: germline. Affected: yes. Observed: 1 variant allele.
Comment: HYDIN: PM2, BP4

Neuberg Centre For Genomic Medicine, NCGM
Classification: Uncertain significance for Primary ciliary dyskinesia 5. Review status: criteria provided, single submitter. Criteria: ACMG Guidelines, 2015. Collection method: clinical testing. Allele origin: germline. Inheritance: Autosomal recessive inheritance. Affected: yes.
Comment: The missense c.8791C>T (p.Arg2931Cys) variant in HYDIN gene has not been reported previously as a pathogenic variant nor as a benign variant, to our knowledge. The p.Arg2931Cys variant has allele frequency 0.0004% in gnomAD Exomes and is novel (not in any individuals) in 1000 Genomes. This variant has not been reported to the ClinVar database. The amino acid change p.Arg2931Cys in HYDIN is predicted as conserved by GERP++ and PhyloP across 100 vertebrates. The amino acid Arg at position 2931 is changed to a Cys changing protein sequence and it might alter its composition and physico-chemical properties. For these reasons, this variant has been classified as Variant of Uncertain Significance (VUS).